The following is an entry in ClinVar:

ClinVar aggregate classification (germline): Benign (1 of 4 stars; one submission).

Allele frequency attached by ClinVar (database versions not stated): gnomAD exomes 0.00763 and 0.01261; gnomAD 0.00777 and 0.00806; ExAC 0.00787; TOPMed 0.00832; ESP Exome Variant Server 0.00861; 1000 Genomes Project 0.00379; 1000 Genomes Project 30x 0.00453.
gnomAD v4.1: 18,564 of 1,543,874 alleles (1.2%); highest among the groups gnomAD compares: Non-Finnish European, 1.5%; 150 homozygotes.

Submission:

CeGaT Center for Human Genetics Tuebingen
Classification: Benign. Last evaluated: 2023-07-01. Review status: criteria provided, single submitter. Criteria: CeGaT Center For Human Genetics Tuebingen Variant Classification Criteria Version 2. Collection method: clinical testing. Allele origin: germline. Affected: yes. Observed: 7 variant alleles.
Comment: TFAM: BS1, BS2

NM_003201.3(TFAM):c.594+39G>A

Gene: TFAM (transcription factor A, mitochondrial; plus strand). Cytogenetic location: 10q21.1.
Variant type: single nucleotide variant.
Coding change: c.594+39G>A on transcript NM_003201.3 (MANE Select); 39 bases into the intron after coding-DNA position 594, G replaced by A.
Molecular consequence: intron variant.
Genome position (GRCh38, 1-based): chr10:58,394,453, G>A. VCF-style: chr10-58394453-G-A. GRCh37 (hg19) VCF-style: chr10-60154213-G-A.
Other names: c.498+39G>A (NM_001270782.2).
Identifiers: ClinVar variation 1701134 (VCV001701134.31), dbSNP rs41283690, ClinGen allele CA5508024.